The following is an entry in ClinVar:

NM_001330574.2(ZNF711):c.20G>A (p.Ser7Asn)

Gene: ZNF711 (zinc finger protein 711; plus strand). Cytogenetic location: Xq21.1.
Variant type: single nucleotide variant.
Coding change: c.20G>A on transcript NM_001330574.2 (MANE Select); coding-DNA position 20, G replaced by A.
Protein change: p.Ser7Asn; replaces serine 7 with asparagine.
Molecular consequence: missense variant.
Genome position (GRCh38, 1-based): chrX:85,247,592, G>A. VCF-style: chrX-85247592-G-A. GRCh37 (hg19) VCF-style: chrX-84502598-G-A.
Other names: c.20G>A, p.Ser7Asn (NM_001375431.1, NM_001375432.1, NM_001375433.1 and 5 more transcripts); short protein forms S7N.
Identifiers: ClinVar variation 3360151 (VCV003360151.1).

ClinVar aggregate classification (germline): Uncertain significance (1 of 4 stars; one submission).

gnomAD v4.1: 20 of 1,208,290 alleles (0.0017%); highest among the groups gnomAD compares: East Asian, 0.0059%; no homozygotes.

Submission:

GeneDx
Classification: Uncertain significance. Last evaluated: 2023-06-20. Review status: criteria provided, single submitter. Criteria: GeneDx Variant Classification Process June 2021. Collection method: clinical testing. Allele origin: germline. Affected: yes.
Comment: Not observed at significant frequency in large population cohorts (gnomAD); In silico analysis supports that this missense variant does not alter protein structure/function; Has not been previously published as pathogenic or benign to our knowledge